The following is an entry in ClinVar:

ClinVar aggregate classification (germline): Uncertain significance (1 of 4 stars; one submission).

Conditions:
Familial hypercholesterolemia. Also called: Familial hypercholesterolaemia. Identifiers: MedGen C0020445, MONDO:0005439.

Allele frequency attached by ClinVar (database versions not stated): gnomAD exomes below 0.00001.
gnomAD v4.1: 1 of 1,582,232 alleles (0.000063%); highest among the groups gnomAD compares: Non-Finnish European, 0.000086%; no homozygotes.

Submission:

Color Diagnostics, LLC DBA Color Health
Classification: Uncertain significance for Familial hypercholesterolemia. Last evaluated: 2023-05-08. Review status: criteria provided, single submitter. Criteria: ACMG Guidelines, 2015. Collection method: clinical testing. Allele origin: germline.
Comment: This missense variant replaces glycine with arginine at codon 308 of the PCSK9 protein. Computational prediction suggests that this variant may have deleterious impact on protein structure and function (internally defined REVEL score threshold >= 0.7, PMID: 27666373). To our knowledge, functional studies have not been reported for this variant. This variant has not been reported in individuals affected with PCSK9-related disorders in the literature. This variant has not been identified in the general population by the Genome Aggregation Database (gnomAD). The available evidence is insufficient to determine the role of this variant in disease conclusively. Therefore, this variant is classified as a Variant of Uncertain Significance.

NM_174936.4(PCSK9):c.922G>A (p.Gly308Arg)

Gene: PCSK9 (proprotein convertase subtilisin/kexin type 9; plus strand). Cytogenetic location: 1p32.3.
Variant type: single nucleotide variant.
Coding change: c.922G>A on transcript NM_174936.4 (MANE Select); coding-DNA position 922, G replaced by A.
Protein change: p.Gly308Arg; replaces glycine 308 with arginine.
Molecular consequence: missense variant. On other transcripts: non-coding transcript variant (8).
Genome position (GRCh38, 1-based): chr1:55,056,115, G>A. VCF-style: chr1-55056115-G-A. GRCh37 (hg19) VCF-style: chr1-55521788-G-A.
Other names: c.547G>A, p.Gly183Arg (NM_001407246.1); c.922G>A, p.Gly308Arg (NM_001407247.1, NM_001407241.1, NM_001407244.1); c.1045G>A, p.Gly349Arg (NM_001407240.1); c.925G>A, p.Gly309Arg (NM_001407242.1); c.865G>A, p.Gly289Arg (NM_001407243.1); c.730G>A, p.Gly244Arg (NM_001407245.1); short protein forms G289R, G308R, G309R, G183R, G244R, G349R.
Identifiers: ClinVar variation 2774048 (VCV002774048.2), dbSNP rs2523244797, ClinGen allele CA340474887.
Genomic context (GRCh38, chr1:55,056,115, plus strand): 5'-CCCCTGGCGGGTGGGTACAGCCGCGTCCTCAACGCCGCCTGCCAGCGCCTGGCGAGGGCT[G>A]GGGTCGTGCTGGTCACCGCTGCCGGCAACTTCCGGGACGATGCCTGCCTCTACTCCCCAG-3'
Protein context (NP_777596.2, residues 298-318): NAACQRLARA[Gly308Arg]VVLVTAAGNF